The following is an entry in ClinVar:

ClinVar aggregate classification (germline): Uncertain significance (0 of 4 stars; one submission).

Conditions:
Prostate cancer. Also called: Malignant tumor of prostate. Identifiers: Orphanet 1331, MedGen C0376358, MONDO:0008315, HP:0012125.

Allele frequency attached by ClinVar (database versions not stated): gnomAD 0.00002; TOPMed below 0.00001; gnomAD exomes below 0.00001.
gnomAD v4.1: 3 of 1,612,572 alleles (0.00019%); highest among the groups gnomAD compares: African/African-American, 0.004%; no homozygotes.

Submission:

Science for Life laboratory,  Karolinska Institutet
Classification: Uncertain significance for Malignant tumor of prostate. Review status: no assertion criteria provided. Collection method: not provided. Allele origin: somatic.
Comment: TumorID:SWE-15
ClinVar note: Converted during submission from Unknown to Uncertain significance.

NM_003739.6(AKR1C3):c.27G>T (p.Lys9Asn)

Genes: AKR1C3 (aldo-keto reductase family 1 member C3; plus strand), LOC121366038 (Sharpr-MPRA regulatory region 1972; plus strand). Cytogenetic location: 10p15.1.
Variant type: single nucleotide variant.
Coding change: c.27G>T on transcript NM_003739.6 (MANE Select); coding-DNA position 27, G replaced by T.
Protein change: p.Lys9Asn; replaces lysine 9 with asparagine.
Molecular consequence: missense variant. On other transcripts: intron variant (1).
Genome position (GRCh38, 1-based): chr10:5,094,471, G>T. VCF-style: chr10-5094471-G-T. GRCh37 (hg19) VCF-style: chr10-5136663-G-T.
Other names: c.27G>T, p.Lys9Asn (NM_001253909.2); c.85-1939G>T (NM_001253908.2); short protein forms K9N.
Identifiers: ClinVar variation 161618 (VCV000161618.2), dbSNP rs193920842, ClinGen allele CA174464.